The following is an entry in ClinVar:

NM_001378457.1(DMXL2):c.8099T>C (p.Leu2700Ser)

Gene: DMXL2 (Dmx like 2; minus strand). Cytogenetic location: 15q21.2.
Variant type: single nucleotide variant.
Coding change: c.8099T>C on transcript NM_001378457.1 (MANE Select); coding-DNA position 8099, T replaced by C.
Protein change: p.Leu2700Ser; replaces leucine 2700 with serine.
Molecular consequence: missense variant. On other transcripts: non-coding transcript variant (2).
Genome position (GRCh38, 1-based): chr15:51,458,605, A>G on the plus strand (T>C on the coding strand, the complement: DMXL2 is on the minus strand). VCF-style: chr15-51458605-A-G. GRCh37 (hg19) VCF-style: chr15-51750802-A-G.
Other names: c.8036T>C, p.Leu2679Ser (NM_001174116.3); c.6125T>C, p.Leu2042Ser (NM_001174117.3); c.8096T>C, p.Leu2699Ser (NM_001378458.1); c.7811T>C, p.Leu2604Ser (NM_001378459.1); c.6014T>C, p.Leu2005Ser (NM_001378460.1); c.8033T>C, p.Leu2678Ser (NM_015263.5); short protein forms L2604S, L2699S, L2678S, L2679S, L2700S, L2005S, L2042S.
Identifiers: ClinVar variation 1943694 (VCV001943694.3), dbSNP rs1187459773, ClinGen allele CA392437086.
Genomic context (GRCh38, chr15:51,458,605, plus strand): 5'-TATGACTGACAGGCCAGTAGAGAAGTAACATCAAGTTCTTGAACATCATGTGTTGAAGCC[A>G]AAACAATTTCATTACAATTTGCCTATAAAGCAAAGGCAGAATCGATGATTTAAGCAATTT-3'
Protein context (NP_001365386.1, residues 2690-2710): VNKANCNEIV[Leu2700Ser]ASTHDVQELD

ClinVar aggregate classification (germline): Uncertain significance (1 of 4 stars; one submission).

Allele frequency attached by ClinVar (database versions not stated): gnomAD exomes 0.00001.
gnomAD v4.1: 5 of 1,613,982 alleles (0.00031%); highest among the groups gnomAD compares: African/African-American, 0.0013%; no homozygotes.

Submission:

Labcorp Genetics (formerly Invitae), Labcorp
Classification: Uncertain significance. Last evaluated: 2023-12-07. Review status: criteria provided, single submitter. Criteria: Invitae Variant Classification Sherloc (09022015). Collection method: clinical testing. Allele origin: germline.
Comment: This sequence change replaces leucine, which is neutral and non-polar, with serine, which is neutral and polar, at codon 2679 of the DMXL2 protein (p.Leu2679Ser). This variant is present in population databases (no rsID available, gnomAD 0.007%). This variant has not been reported in the literature in individuals affected with DMXL2-related conditions. ClinVar contains an entry for this variant (Variation ID: 1943694). An algorithm developed to predict the effect of missense changes on protein structure and function (PolyPhen-2) suggests that this variant is likely to be disruptive. In summary, the available evidence is currently insufficient to determine the role of this variant in disease. Therefore, it has been classified as a Variant of Uncertain Significance.